The following is an entry in ClinVar:

ClinVar aggregate classification (germline): Uncertain significance (1 of 4 stars; one submission).

Conditions:
Hereditary cancer-predisposing syndrome. Also called: Neoplastic Syndromes, Hereditary; Hereditary Cancer Syndrome; Hereditary neoplastic syndrome; Tumor predisposition. Identifiers: Orphanet 140162, MedGen C0027672, MeSH D009386, MONDO:0015356.

Submission:

Ambry Genetics
Classification: Uncertain significance for Hereditary cancer-predisposing syndrome. Last evaluated: 2023-05-16. Review status: criteria provided, single submitter. Criteria: Ambry Variant Classification Scheme 2023. Collection method: clinical testing. Allele origin: germline.
Comment: The c.4080_4088delTCAGCACAA variant (also known as p.Q1361_N1363del) is located in coding exon 10 of the BRCA2 gene. This variant results from an in-frame TCAGCACAA deletion at nucleotide positions 4080 to 4088. This results in the in-frame deletion of the glutamine, histidine and asparagine residues at codons 1361-1363. This amino acid region is well conserved in available vertebrate species. In addition, this alteration is predicted to be deleterious by in silico analysis (Choi Y et al. PLoS ONE. 2012; 7(10):e46688). Since supporting evidence is limited at this time, the clinical significance of this alteration remains unclear.

NM_000059.4(BRCA2):c.4080_4088del (p.Gln1361_Asn1363del)

Gene: BRCA2 (BRCA2 DNA repair associated; plus strand). Cytogenetic location: 13q13.1.
Variant type: Deletion.
Coding change: c.4080_4088del on transcript NM_000059.4 (MANE Select); coding-DNA positions 4080 to 4088, 9 bases deleted (TCAGCACAA; older notation c.4080_4088delTCAGCACAA).
Protein change: p.Gln1361_Asn1363del.
Molecular consequence: inframe deletion. On other transcripts: non-coding transcript variant (1), intron variant (2).
Genome position (GRCh38, 1-based): chr13:32,338,435-32,338,443, TCAGCACAA deleted; deleting any 9 consecutive bases within chr13:32,338,434-32,338,443 gives the same sequence; the c. name uses the placement nearest the transcript's 3' end. VCF-style (leftmost placement, unchanged base first): chr13-32338433-GATCAGCACA-G. GRCh37 (hg19) VCF-style: chr13-32912570-GATCAGCACA-G.
Other names: c.4080_4088del, p.Gln1361_Asn1363del (NM_001406719.1, NM_001406720.1); c.1909+5048_1909+5056del (NM_001406721.1); c.425-6123_425-6115del (NM_001406722.1).
Identifiers: ClinVar variation 2566000 (VCV002566000.2), dbSNP rs2548527591, ClinGen allele CA2580614674.